The following is an entry in ClinVar:

ClinVar aggregate classification (germline): Uncertain significance (1 of 4 stars; one submission).

Conditions:
Ullrich congenital muscular dystrophy 2 (UCMD2). Identifiers: Orphanet 75840, MedGen C4225314, MONDO:0014654, OMIM 616470.
Bethlem myopathy 2 (BTHLM2). Identifiers: Orphanet 536516, Orphanet 610, MedGen C4225313, MONDO:0034022, OMIM 616471.

Submission:

Labcorp Genetics (formerly Invitae), Labcorp
Classification: Uncertain significance for Bethlem myopathy 2; Ullrich congenital muscular dystrophy 2. Last evaluated: 2023-10-22. Review status: criteria provided, single submitter. Criteria: Invitae Variant Classification Sherloc (09022015). Collection method: clinical testing. Allele origin: germline.
Comment: This sequence change replaces glutamic acid, which is acidic and polar, with glycine, which is neutral and non-polar, at codon 2165 of the COL12A1 protein (p.Glu2165Gly). This variant is not present in population databases (gnomAD no frequency). This variant has not been reported in the literature in individuals affected with COL12A1-related conditions. Advanced modeling of protein sequence and biophysical properties (such as structural, functional, and spatial information, amino acid conservation, physicochemical variation, residue mobility, and thermodynamic stability) performed at Invitae indicates that this missense variant is not expected to disrupt COL12A1 protein function. In summary, the available evidence is currently insufficient to determine the role of this variant in disease. Therefore, it has been classified as a Variant of Uncertain Significance.

NM_004370.6(COL12A1):c.6494A>G (p.Glu2165Gly)

Gene: COL12A1 (collagen type XII alpha 1 chain; minus strand). Cytogenetic location: 6q13.
Variant type: single nucleotide variant.
Coding change: c.6494A>G on transcript NM_004370.6 (MANE Select); coding-DNA position 6494, A replaced by G.
Protein change: p.Glu2165Gly; replaces glutamic acid 2165 with glycine.
Molecular consequence: missense variant.
Genome position (GRCh38, 1-based): chr6:75,125,240, T>C on the plus strand (A>G on the coding strand, the complement: COL12A1 is on the minus strand). VCF-style: chr6-75125240-T-C. GRCh37 (hg19) VCF-style: chr6-75834956-T-C.
Other names: c.6494A>G, p.Glu2165Gly (NM_001424113.1); c.6473A>G, p.Glu2158Gly (NM_001424114.1); c.6221A>G, p.Glu2074Gly (NM_001424115.1); c.3002A>G, p.Glu1001Gly (NM_001424116.1, NM_080645.3); short protein forms E2165G, E1001G, E2074G, E2158G.
Identifiers: ClinVar variation 2946377 (VCV002946377.3), dbSNP rs2533237113, ClinGen allele CA364729506.